The following is an entry in ClinVar:

ClinVar aggregate classification (germline): Uncertain significance (1 of 4 stars; one submission).

Conditions:
Inborn genetic diseases. Identifiers: MedGen C0950123, MeSH D030342.

Submission:

Ambry Genetics
Classification: Uncertain significance for Inborn genetic diseases. Last evaluated: 2022-03-20. Review status: criteria provided, single submitter. Criteria: Ambry Variant Classification Scheme 2023. Collection method: clinical testing. Allele origin: germline.
Comment: The p.A849P variant (also known as c.2545G>C), located in coding exon 13 of the IGHMBP2 gene, results from a G to C substitution at nucleotide position 2545. The alanine at codon 849 is replaced by proline, an amino acid with highly similar properties. This amino acid position is conserved. In addition, this alteration is predicted to be tolerated by in silico analysis. Since supporting evidence is limited at this time, the clinical significance of this alteration remains unclear.

NM_002180.3(IGHMBP2):c.2545G>C (p.Ala849Pro)

Gene: IGHMBP2 (immunoglobulin mu DNA binding protein 2; plus strand). Cytogenetic location: 11q13.3.
Variant type: single nucleotide variant.
Coding change: c.2545G>C on transcript NM_002180.3 (MANE Select); coding-DNA position 2545, G replaced by C.
Protein change: p.Ala849Pro; replaces alanine 849 with proline.
Molecular consequence: missense variant.
Genome position (GRCh38, 1-based): chr11:68,937,025, G>C. VCF-style: chr11-68937025-G-C. GRCh37 (hg19) VCF-style: chr11-68704493-G-C.
Other names: short protein forms A849P.
Identifiers: ClinVar variation 1792879 (VCV001792879.2), dbSNP rs2228208, ClinGen allele CA381653932.